The following is an entry in ClinVar:

NM_183050.4(BCKDHB):c.742+16A>G

Gene: BCKDHB (branched chain keto acid dehydrogenase E1 subunit beta; plus strand). Cytogenetic location: 6q14.1.
Variant type: single nucleotide variant.
Coding change: c.742+16A>G on transcript NM_183050.4 (MANE Select); 16 bases into the intron after coding-DNA position 742, A replaced by G.
Molecular consequence: intron variant.
Genome position (GRCh38, 1-based): chr6:80,171,406, A>G. VCF-style: chr6-80171406-A-G. GRCh37 (hg19) VCF-style: chr6-80881123-A-G.
Other names: c.532+16A>G (NM_001318975.1); c.742+16A>G (NM_000056.5).
Identifiers: ClinVar variation 96606 (VCV000096606.19), dbSNP rs140373763, ClinGen allele CA224337.

ClinVar aggregate classification (germline): Conflicting classifications of pathogenicity. Review status: criteria provided, conflicting classifications (1 of 4 stars). 5 submissions from 5 submitters: Uncertain significance (1); Benign (2); Likely benign (2). Last evaluated 2026-02-04.

Conditions:
Maple syrup urine disease (MSUD). Identifiers: Orphanet 511, MedGen C0024776, MeSH D008375, MONDO:0009563. Disease mechanism: loss of function.

Allele frequency attached by ClinVar (database versions not stated): 1000 Genomes Project 30x 0.00031; 1000 Genomes Project 0.00040; ESP Exome Variant Server 0.00195; TOPMed 0.00202; gnomAD 0.00215 and 0.00220; gnomAD exomes 0.00222 and 0.00246; ExAC 0.00260.
gnomAD v4.1: 3,586 of 1,491,508 alleles (0.24%); highest among the groups gnomAD compares: Non-Finnish European, 0.3%; 17 homozygotes.

Submissions (5):

Labcorp Genetics (formerly Invitae), Labcorp
Classification: Benign for Maple syrup urine disease. Last evaluated: 2026-02-04. Review status: criteria provided, single submitter. Criteria: Invitae Variant Classification Sherloc (09022015). Collection method: clinical testing. Allele origin: germline.

Genome-Nilou Lab
Classification: Likely benign for Maple syrup urine disease type 1A. Last evaluated: 2021-11-07. Review status: criteria provided, single submitter. Criteria: ACMG Guidelines, 2015. Collection method: clinical testing. Allele origin: germline. Affected: no.

Women's Health and Genetics/Laboratory Corporation of America, LabCorp
Classification: Benign. Last evaluated: 2021-09-10. Review status: criteria provided, single submitter. Criteria: LabCorp Variant Classification Summary - May 2015. Collection method: clinical testing. Allele origin: germline.

GeneDx
Classification: Likely benign. Last evaluated: 2018-04-02. Review status: criteria provided, single submitter. Criteria: GeneDx Variant Classification Process June 2021. Collection method: clinical testing. Allele origin: germline. Affected: yes.
Comment: This variant is associated with the following publications: (PMID: 23757202)

Eurofins Ntd Llc (ga)
Classification: Uncertain significance. Last evaluated: 2013-09-03. Review status: criteria provided, single submitter. Criteria: EGL Classification Definitions 2015. Collection method: clinical testing. Allele origin: germline. Observed: 1 variant allele, 1 heterozygote.